The following is an entry in ClinVar:

NM_001040142.2(SCN2A):c.76G>C (p.Glu26Gln)

Gene: SCN2A (sodium voltage-gated channel alpha subunit 2; plus strand). Cytogenetic location: 2q24.3.
Variant type: single nucleotide variant.
Coding change: c.76G>C on transcript NM_001040142.2 (MANE Select); coding-DNA position 76, G replaced by C.
Protein change: p.Glu26Gln; replaces glutamic acid 26 with glutamine.
Molecular consequence: missense variant.
Genome position (GRCh38, 1-based): chr2:165,295,899, G>C. VCF-style: chr2-165295899-G-C. GRCh37 (hg19) VCF-style: chr2-166152409-G-C.
Other names: c.76G>C, p.Glu26Gln (NM_001040143.2, NM_001371246.1, NM_001371247.1 and 1 more transcripts); short protein forms E26Q.
Identifiers: ClinVar variation 1326533 (VCV001326533.3), dbSNP rs1439524882, ClinGen allele CA349009870.

ClinVar aggregate classification (germline): Uncertain significance. Review status: criteria provided, multiple submitters, no conflicts (2 of 4 stars). 2 submissions from 2 submitters: Uncertain significance (2). Last evaluated 2025-09-01.

Conditions:
Inborn genetic diseases. Identifiers: MedGen C0950123, MeSH D030342.

Allele frequency attached by ClinVar (database versions not stated): gnomAD exomes below 0.00001; gnomAD 0.00001; TOPMed 0.00001.
gnomAD v4.1: 2 of 1,613,960 alleles (0.00012%); highest among the groups gnomAD compares: Non-Finnish European, 0.00017%; no homozygotes.

Submissions (2):

Ambry Genetics
Classification: Uncertain significance for Inborn genetic diseases. Last evaluated: 2025-09-01. Review status: criteria provided, single submitter. Criteria: Ambry Variant Classification Scheme 2023. Collection method: clinical testing. Allele origin: germline.

GeneDx
Classification: Uncertain significance. Last evaluated: 2021-05-29. Review status: criteria provided, single submitter. Criteria: GeneDx Variant Classification Process June 2021. Collection method: clinical testing. Allele origin: germline. Affected: yes.
Comment: Not observed at significant frequency in large population cohorts (Lek et al., 2016); Missense variants in this gene are often considered pathogenic (Stenson et al., 2014); In silico analysis supports that this missense variant has a deleterious effect on protein structure/function; Has not been previously published as pathogenic or benign to our knowledge; This substitution is predicted to be within the N-terminal cytoplasmic domain; This variant is associated with the following publications: (PMID: 27535533)